The following is an entry in ClinVar:

NM_000179.3(MSH6):c.2239del (p.Phe746_Leu747insTer)

Gene: MSH6 (mutS homolog 6; plus strand). Cytogenetic location: 2p16.3.
Variant type: Deletion.
Coding change: c.2239del on transcript NM_000179.3 (MANE Select); coding-DNA position 2239, one base deleted (C; older notation c.2239delC).
Protein change: p.Phe746_Leu747insTer.
Molecular consequence: nonsense.
Genome position (GRCh38, 1-based): chr2:47,800,222, C deleted. VCF-style (leftmost placement, unchanged base first): chr2-47800221-TC-T. GRCh37 (hg19) VCF-style: chr2-48027360-TC-T.
Other names: c.1849del, p.Phe616_Leu617insTer (NM_001281492.2); c.1333del, p.Phe444_Leu445insTer (NM_001281493.2, NM_001281494.2); c.2239delC (NM_000179.2).
Identifiers: ClinVar variation 659034 (VCV000659034.10), dbSNP rs1572726309, ClinGen allele CA915943929.

ClinVar aggregate classification (germline): Pathogenic. Review status: criteria provided, multiple submitters, no conflicts (2 of 4 stars). 3 submissions from 3 submitters: Pathogenic (3). Last evaluated 2023-08-16.

Conditions:
Hereditary nonpolyposis colorectal neoplasms. Identifiers: MedGen C0009405, MeSH D003123.
Lynch syndrome 5 (LYNCH5). Also called: Hereditary non-polyposis colorectal cancer, type 5; Colorectal cancer, hereditary nonpolyposis, type 5. Identifiers: Orphanet 144, MedGen C1833477, MONDO:0013710, OMIM 614350. Disease mechanism: loss of function.
Hereditary cancer-predisposing syndrome. Also called: Hereditary neoplastic syndrome; Neoplastic Syndromes, Hereditary; Hereditary Cancer Syndrome; Tumor predisposition. Identifiers: Orphanet 140162, MedGen C0027672, MeSH D009386, MONDO:0015356.

Submissions (3):

Myriad Genetics, Inc.
Classification: Pathogenic for Lynch syndrome 5. Last evaluated: 2023-08-16. Review status: criteria provided, single submitter. Criteria: Myriad Autosomal Dominant, Autosomal Recessive and X-Linked Classification Criteria (2023). Collection method: clinical testing. Allele origin: unknown.
Comment: This variant is considered pathogenic. This variant creates a termination codon and is predicted to result in premature protein truncation.

Ambry Genetics
Classification: Pathogenic for Hereditary cancer-predisposing syndrome. Last evaluated: 2019-04-01. Review status: criteria provided, single submitter. Criteria: Ambry Variant Classification Scheme 2023. Collection method: clinical testing. Allele origin: germline.
Comment: The c.2239delC pathogenic mutation, located in coding exon 4 of the MSH6 gene, results from a deletion of one nucleotide at nucleotide position 2239, causing a translational frameshift with a predicted alternate stop codon (p.L747*). This alteration is expected to result in loss of function by premature protein truncation or nonsense-mediated mRNA decay. As such, this alteration is interpreted as a disease-causing mutation.

Labcorp Genetics (formerly Invitae), Labcorp
Classification: Pathogenic for Hereditary nonpolyposis colorectal neoplasms. Last evaluated: 2018-11-01. Review status: criteria provided, single submitter. Criteria: Invitae Variant Classification Sherloc (09022015). Collection method: clinical testing. Allele origin: germline.
Comment: This sequence change creates a premature translational stop signal (p.Leu747*) in the MSH6 gene. It is expected to result in an absent or disrupted protein product. This variant is not present in population databases (ExAC no frequency). This variant has not been reported in the literature in individuals with MSH6-related disease. Loss-of-function variants in MSH6 are known to be pathogenic (PMID: 18269114, 24362816). For these reasons, this variant has been classified as Pathogenic.

Literature cited by the submitters: PubMed 18269114 (cited by Labcorp Genetics (formerly Invitae), Labcorp); PubMed 24362816 (cited by Labcorp Genetics (formerly Invitae), Labcorp).